The following is an entry in ClinVar:

NM_005660.3(SLC35A2):c.327T>G (p.Tyr109Ter)

Gene: SLC35A2 (solute carrier family 35 member A2; minus strand). Cytogenetic location: Xp11.23.
Variant type: single nucleotide variant.
Coding change: c.327T>G on transcript NM_005660.3 (MANE Select); coding-DNA position 327, T replaced by G.
Protein change: p.Tyr109Ter; replaces tyrosine 109 with a stop codon.
Molecular consequence: nonsense.
Genome position (GRCh38, 1-based): chrX:48,906,491, A>C on the plus strand (T>G on the coding strand, the complement: SLC35A2 is on the minus strand). VCF-style: chrX-48906491-A-C. GRCh37 (hg19) VCF-style: chrX-48763768-A-C.
Other names: c.327T>G, p.Tyr109Ter (NM_001032289.3, NM_001042498.3, NM_001282647.2); c.255T>G, p.Tyr85Ter (NM_001282648.2); c.144T>G, p.Tyr48Ter (NM_001282649.2); c.366T>G, p.Tyr122Ter (NM_001282650.2); c.411T>G, p.Tyr137Ter (NM_001282651.2); short protein forms Y109*, Y122*, Y137*, Y48*, Y85*.
Identifiers: ClinVar variation 1072618 (VCV001072618.10), dbSNP rs2147489736, ClinGen allele CA412896733.

ClinVar aggregate classification (germline): Pathogenic (1 of 4 stars; one submission).

Conditions:
SLC35A2-congenital disorder of glycosylation. Also called: CONGENITAL DISORDER OF GLYCOSYLATION, TYPE IIm; CDG IIm; EPILEPTIC ENCEPHALOPATHY, EARLY INFANTILE, 22; SLC35A2-CDG; CONGENITAL DISORDER OF GLYCOSYLATION, TYPE IIm, SOMATIC MOSAIC; DEVELOPMENTAL AND EPILEPTIC ENCEPHALOPATHY 22. Identifiers: Orphanet 356961, MedGen C3806688, MONDO:0010478, OMIM 300896.

Submission:

Labcorp Genetics (formerly Invitae), Labcorp
Classification: Pathogenic for SLC35A2-congenital disorder of glycosylation. Last evaluated: 2020-07-25. Review status: criteria provided, single submitter. Criteria: Invitae Variant Classification Sherloc (09022015). Collection method: clinical testing. Allele origin: germline.
Comment: This sequence change creates a premature translational stop signal (p.Tyr109*) in the SLC35A2 gene. It is expected to result in an absent or disrupted protein product. This variant is not present in population databases (ExAC no frequency). For these reasons, this variant has been classified as Pathogenic. Loss-of-function variants in SLC35A2 are known to be pathogenic (PMID: 23561849, 24115232, 25262651). Algorithms developed to predict the effect of sequence changes on RNA splicing suggest that this variant may create or strengthen a splice site, but this prediction has not been confirmed by published transcriptional studies. This variant has been observed in individual(s) with clinical features of early infantile epileptic encephalopathy (PMID: 30194038).

Literature cited by the submitters: PubMed 23561849; PubMed 24115232; PubMed 25262651; PubMed 30194038.